The following is an entry in ClinVar:

ClinVar aggregate classification (germline): Uncertain significance. Review status: criteria provided, multiple submitters, no conflicts (2 of 4 stars). 2 submissions from 2 submitters: Uncertain significance (2). Last evaluated 2024-09-16.

Conditions:
Hereditary cancer-predisposing syndrome. Also called: Hereditary neoplastic syndrome; Neoplastic Syndromes, Hereditary; Hereditary Cancer Syndrome; Tumor predisposition. Identifiers: Orphanet 140162, MedGen C0027672, MeSH D009386, MONDO:0015356.
Parathyroid carcinoma (PRTC). Also called: CDC73-Related Parathyroid Carcinoma; Parathyroid gland carcinoma. Identifiers: Orphanet 143, MedGen C0687150, MONDO:0012004, OMIM 608266, HP:0006780.

Submissions (2):

Ambry Genetics
Classification: Uncertain significance for Hereditary cancer-predisposing syndrome. Last evaluated: 2024-09-16. Review status: criteria provided, single submitter. Criteria: Ambry Variant Classification Scheme 2023. Collection method: clinical testing. Allele origin: germline.
Comment: The p.R407K variant (also known as c.1220G>A), located in coding exon 14 of the CDC73 gene, results from a G to A substitution at nucleotide position 1220. The arginine at codon 407 is replaced by lysine, an amino acid with highly similar properties. This amino acid position is highly conserved in available vertebrate species. In addition, the in silico prediction for this alteration is inconclusive. Based on the available evidence, the clinical significance of this variant remains unclear.

Labcorp Genetics (formerly Invitae), Labcorp
Classification: Uncertain significance for Parathyroid carcinoma. Last evaluated: 2024-04-01. Review status: criteria provided, single submitter. Criteria: Invitae Variant Classification Sherloc (09022015). Collection method: clinical testing. Allele origin: germline.
Comment: This sequence change replaces arginine, which is basic and polar, with lysine, which is basic and polar, at codon 407 of the CDC73 protein (p.Arg407Lys). This variant is not present in population databases (gnomAD no frequency). This variant has not been reported in the literature in individuals affected with CDC73-related conditions. ClinVar contains an entry for this variant (Variation ID: 658352). Advanced modeling of protein sequence and biophysical properties (such as structural, functional, and spatial information, amino acid conservation, physicochemical variation, residue mobility, and thermodynamic stability) performed at Invitae indicates that this missense variant is expected to disrupt CDC73 protein function with a positive predictive value of 80%. In summary, the available evidence is currently insufficient to determine the role of this variant in disease. Therefore, it has been classified as a Variant of Uncertain Significance.

NM_024529.5(CDC73):c.1220G>A (p.Arg407Lys)

Gene: CDC73 (cell division cycle 73; plus strand). Cytogenetic location: 1q31.2.
Variant type: single nucleotide variant.
Coding change: c.1220G>A on transcript NM_024529.5 (MANE Select); coding-DNA position 1220, G replaced by A.
Protein change: p.Arg407Lys; replaces arginine 407 with lysine.
Molecular consequence: missense variant.
Genome position (GRCh38, 1-based): chr1:193,233,058, G>A. VCF-style: chr1-193233058-G-A. GRCh37 (hg19) VCF-style: chr1-193202188-G-A.
Other names: short protein forms R407K.
Identifiers: ClinVar variation 658352 (VCV000658352.10), dbSNP rs1572215316, ClinGen allele CA344077855.